The following is an entry in ClinVar:

NM_014159.7(SETD2):c.949A>T (p.Ile317Phe)

Gene: SETD2 (SET domain containing 2, histone lysine methyltransferase; minus strand). Cytogenetic location: 3p21.31.
Variant type: single nucleotide variant.
Coding change: c.949A>T on transcript NM_014159.7 (MANE Select); coding-DNA position 949, A replaced by T.
Protein change: p.Ile317Phe; replaces isoleucine 317 with phenylalanine.
Molecular consequence: missense variant. On other transcripts: non-coding transcript variant (1).
Genome position (GRCh38, 1-based): chr3:47,123,687, T>A on the plus strand (A>T on the coding strand, the complement: SETD2 is on the minus strand). VCF-style: chr3-47123687-T-A. GRCh37 (hg19) VCF-style: chr3-47165177-T-A.
Other names: c.817A>T, p.Ile273Phe (NM_001349370.3); short protein forms I273F, I317F.
Identifiers: ClinVar variation 3344685 (VCV003344685.1).
Genomic context (GRCh38, chr3:47,123,687, plus strand): 5'-GTGATCTTTGACTTGAAGAAGTCCGTACAGAATCTTCATCAGATTCTGAACCAAGAAAGA[T>A]GCCTTCAGATTGTGAGGATTTCTTCTTAGAACCTGTTTTTTTACAGCTCAGACTAATCTT-3'
Protein context (NP_054878.5, residues 307-327): SKKKSSQSEG[Ile317Phe]FLGSESDEDS

ClinVar aggregate classification (germline): Uncertain significance (0 of 4 stars; one submission).

Conditions:
SETD2-related disorder.

Submission:

PreventionGenetics, part of Exact Sciences
Classification: Uncertain significance for SETD2-related condition. Last evaluated: 2024-06-15. Review status: no assertion criteria provided. Collection method: clinical testing. Allele origin: germline.
Comment: The SETD2 c.949A>T variant is predicted to result in the amino acid substitution p.Ile317Phe. To our knowledge, this variant has not been reported in the literature or in gnomAD, indicating this variant is rare. At this time, the clinical significance of this variant is uncertain due to the absence of conclusive functional and genetic evidence.